The following is an entry in ClinVar:

NM_020987.5(ANK3):c.4509C>A (p.Tyr1503Ter)

Gene: ANK3 (ankyrin 3; minus strand). Cytogenetic location: 10q21.2.
Variant type: single nucleotide variant.
Coding change: c.4509C>A on transcript NM_020987.5 (MANE Select); coding-DNA position 4509, C replaced by A.
Protein change: p.Tyr1503Ter; replaces tyrosine 1503 with a stop codon.
Molecular consequence: nonsense. On other transcripts: intron variant (4).
Genome position (GRCh38, 1-based): chr10:60,076,372, G>T on the plus strand (C>A on the coding strand, the complement: ANK3 is on the minus strand). VCF-style: chr10-60076372-G-T. GRCh37 (hg19) VCF-style: chr10-61836130-G-T.
Other names: c.4387+4165C>A (NM_001204403.2); c.4408+4165C>A (NM_001204404.2); c.4405+4165C>A (NM_001320874.2); c.1807+4165C>A (NM_001149.4); short protein forms Y1503*.
Identifiers: ClinVar variation 3252898 (VCV003252898.1), dbSNP rs2492580177.

ClinVar aggregate classification (germline): Uncertain significance (1 of 4 stars; one submission).

Submission:

GeneDx
Classification: Uncertain significance. Last evaluated: 2023-02-01. Review status: criteria provided, single submitter. Criteria: GeneDx Variant Classification Process June 2021. Collection method: clinical testing. Allele origin: germline. Affected: yes.
Comment: Not observed at significant frequency in large population cohorts (gnomAD); Nonsense variant predicted to result in protein truncation or nonsense mediated decay in a gene or region of a gene for which loss of function is not a well-established mechanism of disease; Has not been previously published as pathogenic or benign to our knowledge; Variants in candidate genes are classified as variants of uncertain significance in accordance with ACMG guidelines (Richards et al., 2015)